The following is an entry in ClinVar:

NM_016203.4(PRKAG2):c.466+2T>G

Gene: PRKAG2 (protein kinase AMP-activated non-catalytic subunit gamma 2; minus strand). Cytogenetic location: 7q36.1.
Variant type: single nucleotide variant.
Coding change: c.466+2T>G on transcript NM_016203.4 (MANE Select); the canonical splice donor site of the intron after coding-DNA position 466, T replaced by G.
Molecular consequence: splice donor variant. On other transcripts: missense variant (1), intron variant (1).
Genome position (GRCh38, 1-based): chr7:151,781,150, A>C on the plus strand (T>G on the coding strand, the complement: PRKAG2 is on the minus strand). VCF-style: chr7-151781150-A-C. GRCh37 (hg19) VCF-style: chr7-151478236-A-C.
Other names: c.336T>G, p.Ser112Arg (NM_001407033.1); c.466+2T>G (NM_001407031.1, NM_001407030.1, NM_001407023.1 and 2 more transcripts); c.148+33266T>G (NM_001407032.1); c.334+2T>G (NM_001407026.1, NM_001040633.2, NM_001407027.1 and 1 more transcripts); short protein forms S112R.
Identifiers: ClinVar variation 1170966 (VCV001170966.11), dbSNP rs962806505, ClinGen allele CA169171911.
Genomic context (GRCh38, chr7:151,781,150, plus strand): 5'-GGCTGCAGAAGAGACCCCCAGCACCCCAGCACCCACCTGAAACAATAGCATCAAGGTCTT[A>C]CTTTTTCTGGAGCGGGAGAAAAACCTGATGCCCCCGGGCGAGGTAGCAGGGTTGGAGTTG-3'

ClinVar aggregate classification (germline): Uncertain significance. Review status: criteria provided, multiple submitters, no conflicts (2 of 4 stars). 4 submissions from 4 submitters: Uncertain significance (4). Last evaluated 2025-12-09.

Conditions:
Lethal congenital glycogen storage disease of heart. Also called: PHOSPHORYLASE KINASE DEFICIENCY OF HEART; GLYCOGEN STORAGE DISEASE OF HEART. Identifiers: Orphanet 439854, MedGen C1849813, MONDO:0009867, OMIM 261740.
Hypertrophic cardiomyopathy. Also called: HYPERTROPHIC MYOCARDIOPATHY. Identifiers: Orphanet 217569, MedGen C0007194, MeSH D002312, MONDO:0005045, HP:0001639.
Cardiomyopathy (CMYO). Also called: Cardiomyopathies. Identifiers: Orphanet 167848, MedGen C0878544, MONDO:0004994, HP:0001638. Inheritance: Various modes of inheritance.

Allele frequency attached by ClinVar (database versions not stated): gnomAD 0.00001.
gnomAD v4.1: 1 of 1,613,804 alleles (0.000062%); highest among the groups gnomAD compares: African/African-American, 0.0013%; no homozygotes.

Submissions (4):

Labcorp Genetics (formerly Invitae), Labcorp
Classification: Uncertain significance for Lethal congenital glycogen storage disease of heart. Last evaluated: 2025-12-09. Review status: criteria provided, single submitter. Criteria: Invitae Variant Classification Sherloc (09022015). Collection method: clinical testing. Allele origin: germline.
Comment: This sequence change affects a donor splice site in intron 3 of the PRKAG2 gene. It is expected to disrupt RNA splicing. Variants that disrupt the donor or acceptor splice site typically lead to a loss of protein function (PMID: 16199547), however the current clinical and genetic evidence is not sufficient to establish whether loss-of-function variants in PRKAG2 cause disease. This variant is not present in population databases (gnomAD no frequency). This variant has not been reported in the literature in individuals affected with PRKAG2-related conditions. ClinVar contains an entry for this variant (Variation ID: 1170966). Algorithms developed to predict the effect of sequence changes on RNA splicing suggest that this variant may disrupt the consensus splice site. In summary, the available evidence is currently insufficient to determine the role of this variant in disease. Therefore, it has been classified as a Variant of Uncertain Significance.

Color Diagnostics, LLC DBA Color Health
Classification: Uncertain significance for Cardiomyopathy. Last evaluated: 2024-03-03. Review status: criteria provided, single submitter. Criteria: ACMG Guidelines, 2015. Collection method: clinical testing. Allele origin: germline.
Comment: This variant causes a T to G nucleotide substitution at the +2 position of intron 3 of the PRKAG2 gene. Splice prediction tools suggest that this variant may disrupt RNA splicing. To our knowledge, RNA studies have not been reported for this variant. This variant has not been reported in individuals affected with PRKAG2-related disorders in the literature. This variant has not been identified in the general population by the Genome Aggregation Database (gnomAD). Clinical relevance of loss-of-function truncation and splice variants in the PRKAG2 gene is not clearly established. The available evidence is insufficient to determine the role of this variant in disease conclusively. Therefore, this variant is classified as a Variant of Uncertain Significance.

All of Us Research Program, National Institutes of Health
Classification: Uncertain significance for Hypertrophic cardiomyopathy. Last evaluated: 2023-12-01. Review status: criteria provided, single submitter. Criteria: ACMG Guidelines, 2015. Collection method: clinical testing. Allele origin: germline. Inheritance: Autosomal dominant inheritance. Observed: 1 variant allele, 1 heterozygote.
Comment: This study involves interpretation of variants in research participants for the purpose of population health screening. Participant phenotype was not available at the time of variant classification. Additional details can be found in publication PMID: 35346344, PMCID: PMC8962531

AiLife Diagnostics
Classification: Uncertain significance. Last evaluated: 2021-12-16. Review status: criteria provided, single submitter. Criteria: ACMG Guidelines, 2015. Collection method: clinical testing. Allele origin: germline. Affected: yes. Observed: 1 variant allele.

Literature cited by the submitters: PubMed 16199547 (cited by Labcorp Genetics (formerly Invitae), Labcorp).